The following is an entry in ClinVar:

NM_000038.6(APC):c.6845T>G (p.Leu2282Ter)

Gene: APC (APC regulator of Wnt signaling pathway; plus strand). Cytogenetic location: 5q22.2.
Variant type: single nucleotide variant.
Coding change: c.6845T>G on transcript NM_000038.6 (MANE Select); coding-DNA position 6845, T replaced by G.
Protein change: p.Leu2282Ter; replaces leucine 2282 with a stop codon.
Molecular consequence: nonsense. On other transcripts: non-coding transcript variant (2).
Genome position (GRCh38, 1-based): chr5:112,842,439, T>G. VCF-style: chr5-112842439-T-G. GRCh37 (hg19) VCF-style: chr5-112178136-T-G.
Other names: c.6845T>G, p.Leu2282Ter (NM_001127510.3, NM_001354895.2, NM_001407450.1); c.6791T>G, p.Leu2264Ter (NM_001127511.3); c.6899T>G, p.Leu2300Ter (NM_001354896.2, NM_001407447.1, NM_001407448.1 and 1 more transcripts); c.6875T>G, p.Leu2292Ter (NM_001354897.2); c.6770T>G, p.Leu2257Ter (NM_001354898.2); c.6761T>G, p.Leu2254Ter (NM_001354899.2); c.6722T>G, p.Leu2241Ter (NM_001354900.2); c.6668T>G, p.Leu2223Ter (NM_001354901.2, NM_001407453.1); and 11 more; short protein forms L1898*, L1999*, L2223*, L2257*, L2275*, L2122*, L2181*, L2241*.
Identifiers: ClinVar variation 2773576 (VCV002773576.6), dbSNP rs1766315103, ClinGen allele CA16036275.

ClinVar aggregate classification (germline): Pathogenic/Likely pathogenic. Review status: criteria provided, multiple submitters, no conflicts (2 of 4 stars). 3 submissions from 3 submitters: Pathogenic (2); Likely pathogenic (1). Last evaluated 2025-09-23.

Conditions:
Hereditary cancer-predisposing syndrome. Also called: Hereditary neoplastic syndrome; Hereditary Cancer Syndrome; Neoplastic Syndromes, Hereditary; Tumor predisposition. Identifiers: Orphanet 140162, MedGen C0027672, MeSH D009386, MONDO:0015356.
Familial adenomatous polyposis 1 (FAP1). Also called: POLYPOSIS, ADENOMATOUS INTESTINAL; FAMILIAL ADENOMATOUS POLYPOSIS 1, ATTENUATED. Identifiers: MedGen C2713442, MONDO:0021056, OMIM 175100. Disease mechanism: loss of function.

Allele frequency attached by ClinVar (database versions not stated): TOPMed below 0.00001.

Submissions (3):

Myriad Genetics, Inc.
Classification: Pathogenic for Familial adenomatous polyposis 1. Last evaluated: 2025-09-23. Review status: criteria provided, single submitter. Criteria: Myriad Autosomal Dominant, Autosomal Recessive and X-Linked Classification Criteria (2023). Collection method: clinical testing. Allele origin: unknown.
Comment: This variant is considered pathogenic. This variant creates a termination codon and is predicted to result in premature protein truncation.

Labcorp Genetics (formerly Invitae), Labcorp
Classification: Pathogenic for Familial adenomatous polyposis 1. Last evaluated: 2023-08-29. Review status: criteria provided, single submitter. Criteria: Invitae Variant Classification Sherloc (09022015). Collection method: clinical testing. Allele origin: germline.
Comment: A different truncation (p.Tyr2645Lysfs*14) that lies downstream of this variant has been determined to be pathogenic (PMID: 9824584, 1316610, 27081525, 8381579, 22135120, Invitae). This suggests that deletion of this region of the APC protein is causative of disease. For these reasons, this variant has been classified as Pathogenic. This variant is expected to disrupt the EB1 and HDLG binding sites, which mediate interactions with the cytoskeleton (PMID: 15311282, 17293347). While functional studies have not been performed to directly test the effect on APC protein function, this suggests that disruption of the C-terminal portion of the protein is functionally important. This variant has not been reported in the literature in individuals affected with APC-related conditions. This variant is not present in population databases (gnomAD no frequency). This sequence change creates a premature translational stop signal (p.Leu2282*) in the APC gene. While this is not anticipated to result in nonsense mediated decay, it is expected to disrupt the last 562 amino acid(s) of the APC protein.

Color Diagnostics, LLC DBA Color Health
Classification: Likely pathogenic for Hereditary cancer-predisposing syndrome. Last evaluated: 2022-01-02. Review status: criteria provided, single submitter. Criteria: ACMG Guidelines, 2015. Collection method: clinical testing. Allele origin: germline.
Comment: This variant changes 1 nucleotide in exon 16 of the APC gene, creating a premature translation stop signal. This variant is expected to result in an absent or non-functional protein product. To our knowledge, this variant has not been reported in individuals affected with hereditary cancer in the literature. This variant has not been identified in the general population by the Genome Aggregation Database (gnomAD). Loss of APC function is a known mechanism of disease. Based on the available evidence, this variant is classified as Likely Pathogenic.

Literature cited by the submitters: PubMed 9824584 (cited by Labcorp Genetics (formerly Invitae), Labcorp); PubMed 1316610 (cited by Labcorp Genetics (formerly Invitae), Labcorp); PubMed 27081525 (cited by Labcorp Genetics (formerly Invitae), Labcorp); PubMed 8381579 (cited by Labcorp Genetics (formerly Invitae), Labcorp); PubMed 22135120 (cited by Labcorp Genetics (formerly Invitae), Labcorp); PubMed 15311282 (cited by Labcorp Genetics (formerly Invitae), Labcorp); PubMed 17293347 (cited by Labcorp Genetics (formerly Invitae), Labcorp).